The following is an entry in ClinVar:

ClinVar aggregate classification (germline): Uncertain significance (1 of 4 stars; one submission).

Conditions:
Hypokalemic periodic paralysis, type 1. Also called: Hypokalemic Periodic Paralysis Type 1 (AD); HypoPP. Identifiers: Orphanet 681, MedGen C3714580, MONDO:0042979, OMIM 170400.
Malignant hyperthermia, susceptibility to, 5 (MHS5). Also called: CACNA1S-Related Malignant Hyperthermia Susceptibility. Identifiers: Orphanet 423, MedGen C1866077, MONDO:0011163, OMIM 601887.

Submission:

Labcorp Genetics (formerly Invitae), Labcorp
Classification: Uncertain significance for Hypokalemic periodic paralysis, type 1; Malignant hyperthermia, susceptibility to, 5. Last evaluated: 2022-03-26. Review status: criteria provided, single submitter. Criteria: Invitae Variant Classification Sherloc (09022015). Collection method: clinical testing. Allele origin: germline.
Comment: In summary, the available evidence is currently insufficient to determine the role of this variant in disease. Therefore, it has been classified as a Variant of Uncertain Significance. Algorithms developed to predict the effect of sequence changes on RNA splicing suggest that this variant may create or strengthen a splice site. This variant has not been reported in the literature in individuals affected with CACNA1S-related conditions. This variant is not present in population databases (gnomAD no frequency). This sequence change affects codon 471 of the CACNA1S mRNA. It is a 'silent' change, meaning that it does not change the encoded amino acid sequence of the CACNA1S protein.

NM_000069.3(CACNA1S):c.1413G>C (p.Leu471=)

Gene: CACNA1S (calcium voltage-gated channel subunit alpha1 S; minus strand). Cytogenetic location: 1q32.1.
Variant type: single nucleotide variant.
Coding change: c.1413G>C on transcript NM_000069.3 (MANE Select); coding-DNA position 1413, G replaced by C.
Protein change: p.Leu471=; no amino-acid change (leucine 471 retained).
Molecular consequence: synonymous variant.
Genome position (GRCh38, 1-based): chr1:201,078,085, C>G on the plus strand (G>C on the coding strand, the complement: CACNA1S is on the minus strand). VCF-style: chr1-201078085-C-G. GRCh37 (hg19) VCF-style: chr1-201047213-C-G.
Identifiers: ClinVar variation 2116490 (VCV002116490.4), dbSNP rs2102144420, ClinGen allele CA422815277.